The following is an entry in ClinVar:

ClinVar aggregate classification (germline): Conflicting classifications of pathogenicity. Review status: criteria provided, conflicting classifications (1 of 4 stars). 7 submissions from 7 submitters: Uncertain significance (6); Benign (1). Last evaluated 2026-01-20.

Conditions:
Lymphangiomyomatosis (LAM). Also called: Lymphangioleiomyomatosis, somatic; Lymphangioleiomyomatosis. Identifiers: Orphanet 538, MedGen C0751674, MONDO:0011705, OMIM 606690.
Isolated focal cortical dysplasia type II (FCORD2). Also called: CORTICAL DYSPLASIA OF TAYLOR; Focal cortical dysplasia type II. Identifiers: Orphanet 268994, MedGen C1846385, MONDO:0011818, OMIM 607341, HP:0032051.
Tuberous sclerosis 2 (TSC2). Identifiers: Orphanet 805, MedGen C1860707, MONDO:0013199, OMIM 613254.
Hereditary cancer-predisposing syndrome. Also called: Neoplastic Syndromes, Hereditary; Hereditary neoplastic syndrome; Tumor predisposition; Hereditary Cancer Syndrome. Identifiers: Orphanet 140162, MedGen C0027672, MeSH D009386, MONDO:0015356.
Tuberous sclerosis syndrome (TSC). Also called: Tuberous Sclerosis Complex; Tuberous sclerosis. Identifiers: Orphanet 805, MedGen C0041341, MONDO:0001734.

Allele frequency attached by ClinVar (database versions not stated): ExAC 0.00001; gnomAD exomes below 0.00001; TOPMed 0.00001.
gnomAD v4.1: 5 of 1,613,860 alleles (0.00031%); highest among the groups gnomAD compares: Admixed American, 0.0033%; no homozygotes.

Submissions (7):

Labcorp Genetics (formerly Invitae), Labcorp
Classification: Benign for Tuberous sclerosis 2. Last evaluated: 2026-01-20. Review status: criteria provided, single submitter. Criteria: Invitae Variant Classification Sherloc (09022015). Collection method: clinical testing. Allele origin: germline.

Dasa
Classification: Uncertain significance for Tuberous sclerosis 2. Last evaluated: 2026-01-02. Review status: criteria provided, single submitter. Criteria: DASA Assertion Criteria. Collection method: clinical testing. Allele origin: germline.
Comment: NM_000548.5(TSC2):c.1663G>C (p.Ala555Pro) is a missense variant that results in the substitution of alanine with proline. This variant has been reported in individuals with Tuberous sclerosis 2 (PMID: 39596632). Also, this variant is rare in population databases. Computational prediction algorithms are consistent with a deleterious effect. The currently available literature and clinical evidence are not sufficient to establish a definitive association between this variant and the reported condition. Therefore, this variant is classified as a variant of uncertain significance.

Women's Health and Genetics/Laboratory Corporation of America, LabCorp
Classification: Uncertain significance. Last evaluated: 2025-11-11. Review status: criteria provided, single submitter. Criteria: LabCorp Variant Classification Summary - May 2015. Collection method: clinical testing. Allele origin: germline.
Comment: Variant summary: TSC2 c.1663G>C (p.Ala555Pro) results in a non-conservative amino acid change in the encoded protein sequence. Algorithms developed to predict the effect of missense changes on protein structure and function all suggest that this variant is likely to be disruptive. The variant allele was found at a frequency of 3.1e-06 in 1613860 control chromosomes. The available data on variant occurrences in the general population are insufficient to allow any conclusion about variant significance. c.1663G>C has been observed in the heterozygous state in at least 1 individual(s) affected with Tuberous Sclerosis Complex (example, Dufner-Almeida_2024, LOVD). It was further identified as heterozygous and was inherited from an unaffected parent in 1 individual with tuberous sclerosis complex who also carried an apparently de novo frameshift in TSC1 (LOVD). These data do not allow any conclusion about variant significance. At least one publication reports experimental evidence evaluating an impact on protein function in vitro, however, does not allow convincing conclusions about the variant effect (Dufner-Almeida_2024, results reported in LOVD). The following publication has been ascertained in the context of this evaluation (PMID: 39596632). ClinVar contains an entry for this variant (Variation ID: 840867). Based on the evidence outlined above, the variant was classified as uncertain significance.

Ambry Genetics
Classification: Uncertain significance for Hereditary cancer-predisposing syndrome. Last evaluated: 2024-08-12. Review status: criteria provided, single submitter. Criteria: Ambry Variant Classification Scheme 2023. Collection method: clinical testing. Allele origin: germline.
Comment: The p.A555P variant (also known as c.1663G>C), located in coding exon 15 of the TSC2 gene, results from a G to C substitution at nucleotide position 1663. The alanine at codon 555 is replaced by proline, an amino acid with highly similar properties. This amino acid position is well conserved in available vertebrate species. In addition, this alteration is predicted to be deleterious by in silico analysis. Based on the available evidence, the clinical significance of this variant remains unclear.

All of Us Research Program, National Institutes of Health
Classification: Uncertain significance for Tuberous sclerosis syndrome. Last evaluated: 2024-05-14. Review status: criteria provided, single submitter. Criteria: ACMG Guidelines, 2015. Collection method: clinical testing. Allele origin: germline. Inheritance: Autosomal dominant inheritance. Observed: 1 variant allele, 1 heterozygote.
Comment: This missense variant replaces alanine with proline at codon 555 of the TSC2 protein. Computational prediction is inconclusive regarding the impact of this variant on protein structure and function (internally defined REVEL score threshold 0.5 < inconclusive < 0.7, PMID: 27666373). To our knowledge, functional studies have not been reported for this variant. This variant has not been reported in individuals affected with TSC2-related disorders in the literature. This variant has been identified in 1/250690 chromosomes in the general population by the Genome Aggregation Database (gnomAD). The available evidence is insufficient to determine the role of this variant in disease conclusively. Therefore, this variant is classified as a Variant of Uncertain Significance.

This study involves interpretation of variants in research participants for the purpose of population health screening. Participant phenotype was not available at the time of variant classification. Additional details can be found in publication PMID: 35346344, PMCID: PMC8962531

Fulgent Genetics
Classification: Uncertain significance for Lymphangiomyomatosis; Isolated focal cortical dysplasia type II; Tuberous sclerosis 2. Last evaluated: 2024-01-19. Review status: criteria provided, single submitter. Criteria: ACMG Guidelines, 2015. Collection method: clinical testing. Allele origin: germline.

Baylor Genetics
Classification: Uncertain significance for Isolated focal cortical dysplasia type II. Last evaluated: 2023-07-29. Review status: criteria provided, single submitter. Criteria: ACMG Guidelines, 2015. Collection method: clinical testing. Allele origin: unknown.

Literature cited by the submitters: PubMed 39596632 (cited by Dasa and Women's Health and Genetics/Laboratory Corporation of America, LabCorp).

NM_000548.5(TSC2):c.1663G>C (p.Ala555Pro)

Gene: TSC2 (TSC complex subunit 2; plus strand). Cytogenetic location: 16p13.3.
Variant type: single nucleotide variant.
Coding change: c.1663G>C on transcript NM_000548.5 (MANE Select); coding-DNA position 1663, G replaced by C.
Protein change: p.Ala555Pro; replaces alanine 555 with proline.
Molecular consequence: missense variant.
Genome position (GRCh38, 1-based): chr16:2,065,582, G>C. VCF-style: chr16-2065582-G-C. GRCh37 (hg19) VCF-style: chr16-2115583-G-C.
Other names: c.1663G>C, p.Ala555Pro (NM_001077183.3, NM_001114382.3, NM_001363528.2 and 3 more transcripts); c.1552G>C, p.Ala518Pro (NM_001318827.2); c.1516G>C, p.Ala506Pro (NM_001318829.2); c.1063G>C, p.Ala355Pro (NM_001318831.2); c.1696G>C, p.Ala566Pro (NM_001318832.2); short protein forms A506P, A555P, A355P, A518P, A566P.
Identifiers: ClinVar variation 840867 (VCV000840867.17), dbSNP rs763183991, ClinGen allele CA032134.
Genomic context (GRCh38, chr16:2,065,582, plus strand): 5'-ATGGCCCGCTCCCTCTCCCCACCCCCGGAGCTGGAAGAAAGGGATGTGGCCGCATACTCG[G>C]CCTCCTTGGAGGATGTGAAGACAGCCGTCCTGGGGCTTCTGGTCATCCTTCAGGTGGGTG-3'
Protein context (NP_000539.2, residues 545-565): LEERDVAAYS[Ala555Pro]SLEDVKTAVL